The following is an entry in ClinVar:

ClinVar aggregate classification (germline): Likely pathogenic. Review status: criteria provided, multiple submitters, no conflicts (2 of 4 stars). 3 submissions from 3 submitters: Likely pathogenic (2). 1 of the submissions does not count toward it. Last evaluated 2025-06-07.

Conditions:
Alport syndrome. Also called: Hemorrhagic familial nephritis; Hemorrhagic hereditary nephritis; Congenital hereditary hematuria. Identifiers: Orphanet 63, MedGen C1567741, MONDO:0018965.
Autosomal dominant Alport syndrome (ATS3A). Also called: ALPORT SYNDROME 3A, AUTOSOMAL DOMINANT; Alport syndrome dominant type; Renal failure and sensorineural hearing loss. Identifiers: Orphanet 63, Orphanet 88918, MedGen C5882663, MONDO:0007086, OMIM 104200.

Allele frequency attached by ClinVar (database versions not stated): gnomAD exomes below 0.00001; TOPMed below 0.00001; gnomAD 0.00001.
gnomAD v4.1: 2 of 1,613,560 alleles (0.00012%); highest among the groups gnomAD compares: Non-Finnish European, 0.00017%; no homozygotes.

Submissions (3):

Natera, Inc.
Classification: Likely pathogenic for Alport syndrome. Last evaluated: 2025-06-07. Review status: criteria provided, single submitter. Criteria: Natera Variant Classification Schema (03/2026). Collection method: clinical testing. Allele origin: germline.
Comment: The c.1505-2A>C variant in COL4A3 is a canonical splice acceptor site variant predicted to affect pre-mRNA splicing, which may result in an abnormal transcript and altered protein product. This variant is expected to result in nonsense mediated decay, truncation, or a dysfunctional protein product. This variant is rare in the general population with a frequency below the threshold expected for the associated phenotype(s). Given the available evidence, this variant is classified as Likely Pathogenic.

Labcorp Genetics (formerly Invitae), Labcorp
Classification: Likely pathogenic. Last evaluated: 2022-09-23. Review status: criteria provided, single submitter. Criteria: Invitae Variant Classification Sherloc (09022015). Collection method: clinical testing. Allele origin: germline.
Comment: In summary, the currently available evidence indicates that the variant is pathogenic, but additional data are needed to prove that conclusively. Therefore, this variant has been classified as Likely Pathogenic. Algorithms developed to predict the effect of sequence changes on RNA splicing suggest that this variant may disrupt the consensus splice site. ClinVar contains an entry for this variant (Variation ID: 829845). This variant has not been reported in the literature in individuals affected with COL4A3-related conditions. This variant is present in population databases (no rsID available, gnomAD 0.0009%). This sequence change affects an acceptor splice site in intron 23 of the COL4A3 gene. It is expected to disrupt RNA splicing. Variants that disrupt the donor or acceptor splice site typically lead to a loss of protein function (PMID: 16199547), and loss-of-function variants in COL4A3 are known to be pathogenic (PMID: 8956999, 24854265, 26809805, 27281700).

Bioscientia Institut fuer Medizinische Diagnostik GmbH, Sonic Healthcare
Classification: Pathogenic for Autosomal dominant Alport syndrome. Last evaluated: 2019-05-23. Review status: no assertion criteria provided. Collection method: clinical testing. Allele origin: germline. Affected: yes. Not counted in ClinVar's aggregate classification.

Literature cited by the submitters: PubMed 16199547 (cited by Labcorp Genetics (formerly Invitae), Labcorp); PubMed 8956999 (cited by Labcorp Genetics (formerly Invitae), Labcorp); PubMed 24854265 (cited by Labcorp Genetics (formerly Invitae), Labcorp); PubMed 26809805 (cited by Labcorp Genetics (formerly Invitae), Labcorp); PubMed 27281700 (cited by Labcorp Genetics (formerly Invitae), Labcorp).

NM_000091.5(COL4A3):c.1505-2A>C

Genes: MFF-DT (MFF divergent transcript; minus strand), COL4A3 (collagen type IV alpha 3 chain; plus strand). Cytogenetic location: 2q36.3.
Variant type: single nucleotide variant.
Coding change: c.1505-2A>C on transcript NM_000091.5 (MANE Select); the canonical splice acceptor site of the intron before coding-DNA position 1505, A replaced by C.
Molecular consequence: splice acceptor variant.
Genome position (GRCh38, 1-based): chr2:227,269,908, A>C. VCF-style: chr2-227269908-A-C. GRCh37 (hg19) VCF-style: chr2-228134624-A-C.
Other names: c.1505-2A>C (NM_000091.4).
Identifiers: ClinVar variation 829845 (VCV000829845.7), dbSNP rs1247804051, ClinGen allele CA350871062.